The following is an entry in ClinVar:

NM_133642.5(LARGE1):c.940C>G (p.Gln314Glu)

Gene: LARGE1 (LARGE xylosyl- and glucuronyltransferase 1; minus strand). Cytogenetic location: 22q12.3.
Variant type: single nucleotide variant.
Coding change: c.940C>G on transcript NM_133642.5 (MANE Select); coding-DNA position 940, C replaced by G.
Protein change: p.Gln314Glu; replaces glutamine 314 with glutamic acid.
Molecular consequence: missense variant.
Genome position (GRCh38, 1-based): chr22:33,384,257, G>C on the plus strand (C>G on the coding strand, the complement: LARGE1 is on the minus strand). VCF-style: chr22-33384257-G-C. GRCh37 (hg19) VCF-style: chr22-33780243-G-C.
Other names: c.940C>G, p.Gln314Glu (NM_001362949.2, NM_001362951.2, NM_001362953.2 and 7 more transcripts); c.337C>G, p.Gln113Glu (NM_001378630.1, NM_001378631.1); c.940C>G (NM_004737.6); short protein forms Q314E, Q113E.
Identifiers: ClinVar variation 533115 (VCV000533115.9), dbSNP rs559892854, ClinGen allele CA10202902.
Genomic context (GRCh38, chr22:33,384,257, plus strand): 5'-CAGCTAAGGATGTAGAGAGCATGCCCATGAGCTCCCTCTCTGCGGTCAGCCTCCACATCT[G>C]CTCCCATTTCATCTTCCGCAGCTTATCCAGAAGTAACAGGATCACCCCTGGGCAACAGCA-3'
Protein context (NP_598397.1, residues 304-324): LDKLRKMKWE[Gln314Glu]MWRLTAEREL

ClinVar aggregate classification (germline): Uncertain significance. Review status: criteria provided, multiple submitters, no conflicts (2 of 4 stars). 2 submissions from 2 submitters: Uncertain significance (2). Last evaluated 2024-06-26.

Conditions:
Muscular dystrophy-dystroglycanopathy type B6 (MDDGB6). Also called: MUSCULAR DYSTROPHY-DYSTROGLYCANOPATHY (CONGENITAL WITH IMPAIRED INTELLECTUAL DEVELOPMENT), TYPE B, 6; MUSCULAR DYSTROPHY, CONGENITAL, LARGE-RELATED; MUSCULAR DYSTROPHY, CONGENITAL, TYPE 1D. Identifiers: MedGen C1837229, MONDO:0012138, OMIM 608840.

Allele frequency attached by ClinVar (database versions not stated): gnomAD below 0.00001 and 0.00003; TOPMed below 0.00001; ExAC 0.00002; gnomAD exomes 0.00002; 1000 Genomes Project 30x 0.00016; 1000 Genomes Project 0.00020.
gnomAD v4.1: 38 of 1,614,050 alleles (0.0024%); highest among the groups gnomAD compares: South Asian, 0.033%; no homozygotes.

Submissions (2):

Revvity Omics, Revvity
Classification: Uncertain significance. Last evaluated: 2024-06-26. Review status: criteria provided, single submitter. Criteria: ACMG Guidelines, 2015. Collection method: clinical testing. Allele origin: germline.

Labcorp Genetics (formerly Invitae), Labcorp
Classification: Uncertain significance for Muscular dystrophy-dystroglycanopathy type B6. Last evaluated: 2024-02-05. Review status: criteria provided, single submitter. Criteria: Invitae Variant Classification Sherloc (09022015). Collection method: clinical testing. Allele origin: germline.
Comment: This sequence change replaces glutamine, which is neutral and polar, with glutamic acid, which is acidic and polar, at codon 314 of the LARGE1 protein (p.Gln314Glu). This variant is present in population databases (rs559892854, gnomAD 0.01%). This variant has not been reported in the literature in individuals affected with LARGE1-related conditions. ClinVar contains an entry for this variant (Variation ID: 533115). Advanced modeling of protein sequence and biophysical properties (such as structural, functional, and spatial information, amino acid conservation, physicochemical variation, residue mobility, and thermodynamic stability) performed at Invitae indicates that this missense variant is not expected to disrupt LARGE1 protein function with a negative predictive value of 80%. In summary, the available evidence is currently insufficient to determine the role of this variant in disease. Therefore, it has been classified as a Variant of Uncertain Significance.